The following is an entry in ClinVar:

ClinVar aggregate classification (germline): Uncertain significance (1 of 4 stars; one submission).

Conditions:
Charcot-Marie-Tooth disease type 1C. Also called: CMT, SLOW NERVE CONDUCTION TYPE C; Charcot-Marie-Tooth disease, type IC; CHARCOT-MARIE-TOOTH DISEASE, DEMYELINATING, TYPE 1C; HMSN IC; CHARCOT-MARIE-TOOTH NEUROPATHY, TYPE 1C; NEUROPATHY, HEREDITARY MOTOR AND SENSORY, TYPE IC. Identifiers: Orphanet 101083, MedGen C0270913, MONDO:0010995, OMIM 601098.

Allele frequency attached by ClinVar (database versions not stated): TOPMed below 0.00001.
gnomAD v4.1: 2 of 1,613,756 alleles (0.00012%); highest among the groups gnomAD compares: Admixed American, 0.0017%; no homozygotes.

Submission:

Labcorp Genetics (formerly Invitae), Labcorp
Classification: Uncertain significance for Charcot-Marie-Tooth disease type 1C. Last evaluated: 2024-10-06. Review status: criteria provided, single submitter. Criteria: Invitae Variant Classification Sherloc (09022015). Collection method: clinical testing. Allele origin: germline.
Comment: This sequence change replaces asparagine, which is neutral and polar, with lysine, which is basic and polar, at codon 150 of the LITAF protein (p.Asn150Lys). This variant is present in population databases (no rsID available, gnomAD 0.007%). This variant has not been reported in the literature in individuals affected with LITAF-related conditions. ClinVar contains an entry for this variant (Variation ID: 2163831). An algorithm developed to predict the effect of missense changes on protein structure and function (PolyPhen-2) suggests that this variant is likely to be tolerated. In summary, the available evidence is currently insufficient to determine the role of this variant in disease. Therefore, it has been classified as a Variant of Uncertain Significance.

NM_001136472.2(LITAF):c.450C>G (p.Asn150Lys)

Gene: LITAF (lipopolysaccharide induced TNF factor; minus strand). Cytogenetic location: 16p13.13.
Variant type: single nucleotide variant.
Coding change: c.450C>G on transcript NM_001136472.2 (MANE Select); coding-DNA position 450, C replaced by G.
Protein change: p.Asn150Lys; replaces asparagine 150 with lysine.
Molecular consequence: missense variant. On other transcripts: 3 prime UTR variant (1), non-coding transcript variant (1).
Genome position (GRCh38, 1-based): chr16:11,549,673, G>C on the plus strand (C>G on the coding strand, the complement: LITAF is on the minus strand). VCF-style: chr16-11549673-G-C. GRCh37 (hg19) VCF-style: chr16-11643529-G-C.
Other names: c.*89C>G (NM_001136473.1); c.450C>G, p.Asn150Lys (NM_004862.4); short protein forms N150K.
Identifiers: ClinVar variation 2163831 (VCV002163831.4), dbSNP rs897775080, ClinGen allele CA278302085.